The following is an entry in ClinVar:

NM_000929.3(PLA2G5):c.61G>C (p.Gly21Arg)

Gene: PLA2G5 (phospholipase A2 group V; plus strand). Cytogenetic location: 1p36.13.
Variant type: single nucleotide variant.
Coding change: c.61G>C on transcript NM_000929.3 (MANE Select); coding-DNA position 61, G replaced by C.
Protein change: p.Gly21Arg; replaces glycine 21 with arginine.
Molecular consequence: missense variant.
Genome position (GRCh38, 1-based): chr1:20,086,103, G>C. VCF-style: chr1-20086103-G-C. GRCh37 (hg19) VCF-style: chr1-20412596-G-C.
Other names: short protein forms G21R.
Identifiers: ClinVar variation 2881969 (VCV002881969.3), dbSNP rs201974975, ClinGen allele CA18907784.

ClinVar aggregate classification (germline): Uncertain significance (1 of 4 stars; one submission).

gnomAD v4.1: 19 of 1,614,032 alleles (0.0012%); highest among the groups gnomAD compares: Non-Finnish European, 0.0015%; no homozygotes.

Submission:

Labcorp Genetics (formerly Invitae), Labcorp
Classification: Uncertain significance. Last evaluated: 2023-08-04. Review status: criteria provided, single submitter. Criteria: Invitae Variant Classification Sherloc (09022015). Collection method: clinical testing. Allele origin: germline.
Comment: In summary, the available evidence is currently insufficient to determine the role of this variant in disease. Therefore, it has been classified as a Variant of Uncertain Significance. An algorithm developed to predict the effect of missense changes on protein structure and function (PolyPhen-2) suggests that this variant is likely to be disruptive. This variant has not been reported in the literature in individuals affected with PLA2G5-related conditions. This variant is present in population databases (rs201974975, gnomAD 0.002%). This sequence change replaces glycine, which is neutral and non-polar, with arginine, which is basic and polar, at codon 21 of the PLA2G5 protein (p.Gly21Arg).